The following is an entry in ClinVar:

NM_004408.4(DNM1):c.386-8C>T

Genes: DNM1 (dynamin 1; plus strand), LOC113839516 (Sharpr-MPRA regulatory region 8497; plus strand). Cytogenetic location: 9q34.11.
Variant type: single nucleotide variant.
Coding change: c.386-8C>T on transcript NM_004408.4 (MANE Select); 8 bases into the intron before coding-DNA position 386, C replaced by T.
Molecular consequence: intron variant.
Genome position (GRCh38, 1-based): chr9:128,219,041, C>T. VCF-style: chr9-128219041-C-T. GRCh37 (hg19) VCF-style: chr9-130981320-C-T.
Other names: c.386-8C>T (NM_001005336.3, NM_001288738.2, NM_001288737.2 and 1 more transcripts).
Identifiers: ClinVar variation 547050 (VCV000547050.44), dbSNP rs764950748, ClinGen allele CA5257807.

ClinVar aggregate classification (germline): Uncertain significance. Review status: criteria provided, multiple submitters, no conflicts (2 of 4 stars). 2 submissions from 2 submitters: Uncertain significance (2). Last evaluated 2018-02-01.

Conditions:
Developmental and epileptic encephalopathy, 31A. Also called: Epileptic encephalopathy, early infantile, 31; Developmental and epileptic encephalopathy, 31. Identifiers: Orphanet 2382, MedGen C4225357, MONDO:0014598, OMIM 616346.

Allele frequency attached by ClinVar (database versions not stated): gnomAD 0.00001.
gnomAD v4.1: 15 of 1,613,648 alleles (0.00093%); highest among the groups gnomAD compares: Non-Finnish European, 0.0013%; no homozygotes.

Submissions (2):

CeGaT Center for Human Genetics Tuebingen
Classification: Uncertain significance. Last evaluated: 2018-02-01. Review status: criteria provided, single submitter. Criteria: CeGaT Center For Human Genetics Tuebingen Variant Classification Criteria Version 2. Collection method: clinical testing. Allele origin: germline. Affected: yes. Observed: 1 variant allele.

Baylor Genetics
Classification: Uncertain significance for Developmental and epileptic encephalopathy, 31A. Last evaluated: 2018-01-18. Review status: criteria provided, single submitter. Criteria: ACMG Guidelines, 2015. Collection method: clinical testing. Allele origin: maternal. Affected: yes.
Comment: This variant was determined to be of uncertain significance according to ACMG Guidelines, 2015 [PMID:25741868].